The following is an entry in ClinVar:

NM_005068.3(SIM1):c.1814G>A (p.Cys605Tyr)

Gene: SIM1 (SIM bHLH transcription factor 1; minus strand). Cytogenetic location: 6q16.3.
Variant type: single nucleotide variant.
Coding change: c.1814G>A on transcript NM_005068.3 (MANE Select); coding-DNA position 1814, G replaced by A.
Protein change: p.Cys605Tyr; replaces cysteine 605 with tyrosine.
Molecular consequence: missense variant.
Genome position (GRCh38, 1-based): chr6:100,390,848, C>T on the plus strand (G>A on the coding strand, the complement: SIM1 is on the minus strand). VCF-style: chr6-100390848-C-T. GRCh37 (hg19) VCF-style: chr6-100838724-C-T.
Other names: c.1814G>A (NM_005068.2); c.1814G>A, p.Cys605Tyr (NM_001374769.1); short protein forms C605Y.
Identifiers: ClinVar variation 1984161 (VCV001984161.5), dbSNP rs2481994411, ClinGen allele CA365298271.
Genomic context (GRCh38, chr6:100,390,848, plus strand): 5'-GCAAGAGCAGAGCCATGGCAGACTTCACCTGTTGGTGGGGGCTGTTGGTAGTTTGCAAAA[C>T]ACAGGGAGTGTTTTTTCCCAGCCCCATTAATGGAAGCCAGTTGGTCTGAGGGGGCTTTCC-3'
Protein context (NP_005059.2, residues 595-615): INGAGKKHSL[Cys605Tyr]FANYQQPPPT

ClinVar aggregate classification (germline): Uncertain significance. Review status: criteria provided, multiple submitters, no conflicts (2 of 4 stars). 2 submissions from 2 submitters: Uncertain significance (2). Last evaluated 2024-12-02.

Conditions:
Inborn genetic diseases. Identifiers: MedGen C0950123, MeSH D030342.

Allele frequency attached by ClinVar (database versions not stated): gnomAD exomes below 0.00001.
gnomAD v4.1: 1 of 1,614,192 alleles (0.000062%); highest among the groups gnomAD compares: Non-Finnish European, 0.000085%; no homozygotes.

Submissions (2):

Labcorp Genetics (formerly Invitae), Labcorp
Classification: Uncertain significance. Last evaluated: 2024-12-02. Review status: criteria provided, single submitter. Criteria: Invitae Variant Classification Sherloc (09022015). Collection method: clinical testing. Allele origin: germline.
Comment: This sequence change replaces cysteine, which is neutral and slightly polar, with tyrosine, which is neutral and polar, at codon 605 of the SIM1 protein (p.Cys605Tyr). This variant is not present in population databases (gnomAD no frequency). This variant has not been reported in the literature in individuals affected with SIM1-related conditions. ClinVar contains an entry for this variant (Variation ID: 1984161). An algorithm developed to predict the effect of missense changes on protein structure and function (PolyPhen-2) suggests that this variant is likely to be disruptive. In summary, the available evidence is currently insufficient to determine the role of this variant in disease. Therefore, it has been classified as a Variant of Uncertain Significance.

Ambry Genetics
Classification: Uncertain significance for Inborn genetic diseases. Last evaluated: 2024-05-08. Review status: criteria provided, single submitter. Criteria: Ambry Variant Classification Scheme 2023. Collection method: clinical testing. Allele origin: germline.